The following is an entry in ClinVar:

NM_001242896.3(DEPDC5):c.2482C>A (p.Pro828Thr)

Gene: DEPDC5 (DEP domain containing 5, GATOR1 subcomplex subunit; plus strand). Cytogenetic location: 22q12.3.
Variant type: single nucleotide variant.
Coding change: c.2482C>A on transcript NM_001242896.3 (MANE Select); coding-DNA position 2482, C replaced by A.
Protein change: p.Pro828Thr; replaces proline 828 with threonine.
Molecular consequence: missense variant. On other transcripts: non-coding transcript variant (5).
Genome position (GRCh38, 1-based): chr22:31,838,812, C>A. VCF-style: chr22-31838812-C-A. GRCh37 (hg19) VCF-style: chr22-32234798-C-A.
Other names: c.2455C>A, p.Pro819Thr (NM_001136029.4, NM_001369903.1, NM_014662.6); c.2248C>A, p.Pro750Thr (NM_001242897.2, NM_001363854.2, NM_001364319.2); c.2482C>A, p.Pro828Thr (NM_001363852.2, NM_001364318.2, NM_001364320.2); c.2398C>A, p.Pro800Thr (NM_001369901.1, NM_001369902.1); short protein forms P828T, P800T, P819T, P750T.
Identifiers: ClinVar variation 1481969 (VCV001481969.7), dbSNP rs200526736, ClinGen allele CA411287680.

ClinVar aggregate classification (germline): Uncertain significance. Review status: criteria provided, multiple submitters, no conflicts (2 of 4 stars). 2 submissions from 2 submitters: Uncertain significance (2). Last evaluated 2025-01-27.

Conditions:
Familial focal epilepsy with variable foci (FPEVF). Identifiers: Orphanet 98820, MedGen C1858477, MONDO:0020310.

gnomAD v4.1: 8 of 1,614,028 alleles (0.0005%); highest among the groups gnomAD compares: South Asian, 0.0011%; no homozygotes.

Submissions (2):

Labcorp Genetics (formerly Invitae), Labcorp
Classification: Uncertain significance for Familial focal epilepsy with variable foci. Last evaluated: 2025-01-27. Review status: criteria provided, single submitter. Criteria: Invitae Variant Classification Sherloc (09022015). Collection method: clinical testing. Allele origin: germline.
Comment: This sequence change replaces proline, which is neutral and non-polar, with threonine, which is neutral and polar, at codon 828 of the DEPDC5 protein (p.Pro828Thr). This variant is present in population databases (no rsID available, gnomAD no frequency). This variant has not been reported in the literature in individuals affected with DEPDC5-related conditions. ClinVar contains an entry for this variant (Variation ID: 1481969). Experimental studies and prediction algorithms are not available or were not evaluated, and the functional significance of this variant is currently unknown. In summary, the available evidence is currently insufficient to determine the role of this variant in disease. Therefore, it has been classified as a Variant of Uncertain Significance.

Blueprint Genetics
Classification: Uncertain significance. Last evaluated: 2022-02-09. Review status: criteria provided, single submitter. Criteria: ACMG Guidelines, 2015. Collection method: clinical testing. Allele origin: germline.